The following is an entry in ClinVar:

NM_018124.4(RFWD3):c.953C>T (p.Thr318Met)

Gene: RFWD3 (ring finger and WD repeat domain 3; minus strand). Cytogenetic location: 16q23.1.
Variant type: single nucleotide variant.
Coding change: c.953C>T on transcript NM_018124.4 (MANE Select); coding-DNA position 953, C replaced by T.
Protein change: p.Thr318Met; replaces threonine 318 with methionine.
Molecular consequence: missense variant.
Genome position (GRCh38, 1-based): chr16:74,644,575, G>A on the plus strand (C>T on the coding strand, the complement: RFWD3 is on the minus strand). VCF-style: chr16-74644575-G-A. GRCh37 (hg19) VCF-style: chr16-74678473-G-A.
Other names: c.953C>T, p.Thr318Met (NM_001370534.1, NM_001370535.1, NM_001370536.1); c.119C>T, p.Thr40Met (NM_001370537.1, NM_001370539.1, NM_001370540.1 and 3 more transcripts); short protein forms T40M, T318M.
Identifiers: ClinVar variation 1972698 (VCV001972698.7), dbSNP rs746141566, ClinGen allele CA8169390.

ClinVar aggregate classification (germline): Uncertain significance. Review status: criteria provided, multiple submitters, no conflicts (2 of 4 stars). 2 submissions from 2 submitters: Uncertain significance (2). Last evaluated 2025-12-08.

Allele frequency attached by ClinVar (database versions not stated): ExAC 0.00001; gnomAD 0.00001; TOPMed 0.00003.
gnomAD v4.1: 10 of 1,614,054 alleles (0.00062%); highest among the groups gnomAD compares: Admixed American, 0.012%; no homozygotes.

Submissions (2):

Ambry Genetics
Classification: Uncertain significance. Last evaluated: 2025-12-08. Review status: criteria provided, single submitter. Criteria: Ambry Variant Classification Scheme 2023. Collection method: clinical testing. Allele origin: germline.

Labcorp Genetics (formerly Invitae), Labcorp
Classification: Uncertain significance. Last evaluated: 2024-12-24. Review status: criteria provided, single submitter. Criteria: Invitae Variant Classification Sherloc (09022015). Collection method: clinical testing. Allele origin: germline.
Comment: This sequence change replaces threonine, which is neutral and polar, with methionine, which is neutral and non-polar, at codon 318 of the RFWD3 protein (p.Thr318Met). This variant is present in population databases (rs746141566, gnomAD 0.02%). This variant has not been reported in the literature in individuals affected with RFWD3-related conditions. ClinVar contains an entry for this variant (Variation ID: 1972698). An algorithm developed to predict the effect of missense changes on protein structure and function (PolyPhen-2) suggests that this variant is likely to be disruptive. In summary, the available evidence is currently insufficient to determine the role of this variant in disease. Therefore, it has been classified as a Variant of Uncertain Significance.